The following is an entry in ClinVar:

ClinVar aggregate classification (germline): Likely benign (1 of 4 stars; one submission).

Conditions:
RAD51D-related cancer predisposition. Identifiers: MedGen CN377763, MONDO:0700274.

Submission:

Dipartimento Di Medicina Di Precisione, Università Degli Studi Della Campania Luigi Vanvitelli
Classification: Likely benign for RAD51D-related cancer predisposition. Last evaluated: 2025-09-26. Review status: criteria provided, single submitter. Criteria: ACMG Guidelines, 2015. Collection method: clinical testing. Allele origin: germline. Inheritance: Autosomal dominant inheritance. Affected: yes. Observed: 1 heterozygote.
Comment: Computational splicing predictions and population frequency data support a benign effect. According to ACMG/AMP guidelines, PM2 (absence in population) and BP4/BP7 (in silico evidence of benign effect) are satisfied. This submission classifies the variant as Likely Benign (LB). The variant was reported in the 2025 study Prevalence of MUTYH Monoallelic Variants in Patients With Hereditary Cancer Using Multigene Panel Testing.

Literature cited by the submitters: DOI 10.1002/cam4.71231.

NM_002878.4(RAD51D):c.145-35A>G

Genes: RAD51D (RAD51 paralog D; minus strand), RAD51L3-RFFL (RAD51L3-RFFL readthrough; minus strand). Cytogenetic location: 17q12.
Variant type: single nucleotide variant.
Coding change: c.145-35A>G on transcript NM_002878.4 (MANE Select); 35 bases into the intron before coding-DNA position 145, A replaced by G.
Molecular consequence: intron variant.
Genome position (GRCh38, 1-based): chr17:35,118,654, T>C on the plus strand (A>G on the coding strand, the complement: RAD51D is on the minus strand). VCF-style: chr17-35118654-T-C. GRCh37 (hg19) VCF-style: chr17-33445673-T-C.
Other names: c.144+457A>G (NM_133629.3, NM_001142571.2).
Identifiers: ClinVar variation 4280721 (VCV004280721.1).